The following is an entry in ClinVar:

NM_004424.5(E4F1):c.279C>G (p.Thr93=)

Gene: E4F1 (E4F transcription factor 1; plus strand). Cytogenetic location: 16p13.3.
Variant type: single nucleotide variant.
Coding change: c.279C>G on transcript NM_004424.5 (MANE Select); coding-DNA position 279, C replaced by G.
Protein change: p.Thr93=; no amino-acid change (threonine 93 retained).
Molecular consequence: synonymous variant.
Genome position (GRCh38, 1-based): chr16:2,228,493, C>G. VCF-style: chr16-2228493-C-G. GRCh37 (hg19) VCF-style: chr16-2278494-C-G.
Other names: c.279C>G, p.Thr93= (NM_001288776.2, NM_001288778.2).
Identifiers: ClinVar variation 2646056 (VCV002646056.24), dbSNP rs146632512, ClinGen allele CA7837987.

ClinVar aggregate classification (germline): Likely benign (1 of 4 stars; one submission).

Allele frequency attached by ClinVar (database versions not stated): 1000 Genomes Project 0.00020; 1000 Genomes Project 30x 0.00031; ESP Exome Variant Server 0.00069; ExAC 0.00145.

Submission:

CeGaT Center for Human Genetics Tuebingen
Classification: Likely benign. Last evaluated: 2022-06-01. Review status: criteria provided, single submitter. Criteria: CeGaT Center For Human Genetics Tuebingen Variant Classification Criteria Version 2. Collection method: clinical testing. Allele origin: germline. Affected: yes. Observed: 1 variant allele.
Comment: E4F1: BP4, BP7